The following is an entry in ClinVar:

ClinVar aggregate classification (germline): Conflicting classifications of pathogenicity. Review status: criteria provided, conflicting classifications (1 of 4 stars). 3 submissions from 3 submitters: Uncertain significance (2); Likely benign (1). Last evaluated 2025-02-18.

Conditions:
Inborn genetic diseases. Identifiers: MedGen C0950123, MeSH D030342.
KBG syndrome (KBGS). Also called: ANKRD11-Related KBG Syndrome. Identifiers: Orphanet 2332, MedGen C0220687, MONDO:0007846, OMIM 148050.

Allele frequency attached by ClinVar (database versions not stated): gnomAD 0.00001; gnomAD exomes 0.00002; TOPMed 0.00002; ExAC 0.00005; ESP Exome Variant Server 0.00008.
gnomAD v4.1: 35 of 1,612,862 alleles (0.0022%); highest among the groups gnomAD compares: East Asian, 0.0089%; no homozygotes.

Submissions (3):

Labcorp Genetics (formerly Invitae), Labcorp
Classification: Uncertain significance for KBG syndrome. Last evaluated: 2025-02-18. Review status: criteria provided, single submitter. Criteria: Invitae Variant Classification Sherloc (09022015). Collection method: clinical testing. Allele origin: germline.
Comment: This sequence change replaces alanine, which is neutral and non-polar, with valine, which is neutral and non-polar, at codon 1997 of the ANKRD11 protein (p.Ala1997Val). This variant is present in population databases (rs370272709, gnomAD 0.01%). This variant has not been reported in the literature in individuals affected with ANKRD11-related conditions. ClinVar contains an entry for this variant (Variation ID: 2037157). Invitae Evidence Modeling of protein sequence and biophysical properties (such as structural, functional, and spatial information, amino acid conservation, physicochemical variation, residue mobility, and thermodynamic stability) indicates that this missense variant is not expected to disrupt ANKRD11 protein function with a negative predictive value of 95%. In summary, the available evidence is currently insufficient to determine the role of this variant in disease. Therefore, it has been classified as a Variant of Uncertain Significance.

Ambry Genetics
Classification: Likely benign for Inborn genetic diseases. Last evaluated: 2024-05-14. Review status: criteria provided, single submitter. Criteria: Ambry Variant Classification Scheme 2023. Collection method: clinical testing. Allele origin: germline.

Fulgent Genetics
Classification: Uncertain significance for KBG syndrome. Last evaluated: 2024-02-12. Review status: criteria provided, single submitter. Criteria: ACMG Guidelines, 2015. Collection method: clinical testing. Allele origin: germline.

NM_013275.6(ANKRD11):c.5990C>T (p.Ala1997Val)

Gene: ANKRD11 (ankyrin repeat domain 11; minus strand). Cytogenetic location: 16q24.3.
Variant type: single nucleotide variant.
Coding change: c.5990C>T on transcript NM_013275.6 (MANE Select); coding-DNA position 5990, C replaced by T.
Protein change: p.Ala1997Val; replaces alanine 1997 with valine.
Molecular consequence: missense variant.
Genome position (GRCh38, 1-based): chr16:89,280,552, G>A on the plus strand (C>T on the coding strand, the complement: ANKRD11 is on the minus strand). VCF-style: chr16-89280552-G-A. GRCh37 (hg19) VCF-style: chr16-89346960-G-A.
Other names: c.5990C>T, p.Ala1997Val (NM_001256182.2, NM_001256183.2); c.5990C>T (NM_013275.4); short protein forms A1997V.
Identifiers: ClinVar variation 2037157 (VCV002037157.6), dbSNP rs370272709, ClinGen allele CA8241644.